The following is an entry in ClinVar:

NC_000015.9:g.(?_100657032)_(100801861_?)del

Gene: ADAMTS17 (ADAM metallopeptidase with thrombospondin type 1 motif 17; minus strand). Cytogenetic location: 15q26.3.
Variant type: Deletion.
Identifiers: ClinVar variation 1451922 (VCV001451922.5).

ClinVar aggregate classification (germline): Pathogenic (1 of 4 stars; one submission).

Submission:

Labcorp Genetics (formerly Invitae), Labcorp
Classification: Pathogenic. Last evaluated: 2022-07-06. Review status: criteria provided, single submitter. Criteria: Invitae Variant Classification Sherloc (09022015). Collection method: clinical testing. Allele origin: germline.
Comment: This variant has not been reported in the literature in individuals affected with ADAMTS17-related conditions. For these reasons, this variant has been classified as Pathogenic. This variant is a gross deletion of the genomic region encompassing exon(s) 6-13 of the ADAMTS17 gene. This deletion is out-of-frame, and is expected to create a premature termination codon and result in an absent or disrupted protein product. Loss-of-function variants in ADAMTS17 are known to be pathogenic (PMID: 19836009, 24940034).

Literature cited by the submitters: PubMed 19836009; PubMed 24940034.